The following is an entry in ClinVar:

ClinVar aggregate classification (germline): Uncertain significance. Review status: criteria provided, multiple submitters, no conflicts (2 of 4 stars). 2 submissions from 2 submitters: Uncertain significance (2). Last evaluated 2025-09-22.

Conditions:
Multiple endocrine neoplasia type 4. Also called: MULTIPLE ENDOCRINE NEOPLASIA, TYPE IV. Identifiers: Orphanet 276152, MedGen C1970712, MONDO:0012552, OMIM 610755.
Hereditary cancer-predisposing syndrome. Also called: Neoplastic Syndromes, Hereditary; Tumor predisposition; Hereditary neoplastic syndrome; Hereditary Cancer Syndrome. Identifiers: Orphanet 140162, MedGen C0027672, MeSH D009386, MONDO:0015356.

Submissions (2):

Labcorp Genetics (formerly Invitae), Labcorp
Classification: Uncertain significance for Multiple endocrine neoplasia type 4. Last evaluated: 2025-09-22. Review status: criteria provided, single submitter. Criteria: Invitae Variant Classification Sherloc (09022015). Collection method: clinical testing. Allele origin: germline.
Comment: This sequence change replaces glutamic acid, which is acidic and polar, with glutamine, which is neutral and polar, at codon 14 of the CDKN1B protein (p.Glu14Gln). This variant is not present in population databases (gnomAD no frequency). This variant has not been reported in the literature in individuals affected with CDKN1B-related conditions. ClinVar contains an entry for this variant (Variation ID: 3830962). An algorithm developed to predict the effect of missense changes on protein structure and function (PolyPhen-2) suggests that this variant is likely to be disruptive. In summary, the available evidence is currently insufficient to determine the role of this variant in disease. Therefore, it has been classified as a Variant of Uncertain Significance.

Ambry Genetics
Classification: Uncertain significance for Hereditary cancer-predisposing syndrome. Last evaluated: 2024-12-20. Review status: criteria provided, single submitter. Criteria: Ambry Variant Classification Scheme 2023. Collection method: clinical testing. Allele origin: germline.
Comment: The p.E14Q variant (also known as c.40G>C), located in coding exon 1 of the CDKN1B gene, results from a G to C substitution at nucleotide position 40. The glutamic acid at codon 14 is replaced by glutamine, an amino acid with highly similar properties. This amino acid position is highly conserved in available vertebrate species. In addition, this alteration is predicted to be deleterious by in silico analysis. Based on the available evidence, the clinical significance of this variant remains unclear.

NM_004064.5(CDKN1B):c.40G>C (p.Glu14Gln)

Gene: CDKN1B (cyclin dependent kinase inhibitor 1B; plus strand). Cytogenetic location: 12p13.1.
Variant type: single nucleotide variant.
Coding change: c.40G>C on transcript NM_004064.5 (MANE Select); coding-DNA position 40, G replaced by C.
Protein change: p.Glu14Gln; replaces glutamic acid 14 with glutamine.
Molecular consequence: missense variant.
Genome position (GRCh38, 1-based): chr12:12,717,879, G>C. VCF-style: chr12-12717879-G-C. GRCh37 (hg19) VCF-style: chr12-12870813-G-C.
Other names: short protein forms E14Q.
Identifiers: ClinVar variation 3830962 (VCV003830962.2).